The following is an entry in ClinVar:

NM_001792.5(CDH2):c.203A>T (p.Lys68Ile)

Gene: CDH2 (cadherin 2; minus strand). Cytogenetic location: 18q12.1.
Variant type: single nucleotide variant.
Coding change: c.203A>T on transcript NM_001792.5 (MANE Select); coding-DNA position 203, A replaced by T.
Protein change: p.Lys68Ile; replaces lysine 68 with isoleucine.
Molecular consequence: missense variant.
Genome position (GRCh38, 1-based): chr18:28,013,879, T>A on the plus strand (A>T on the coding strand, the complement: CDH2 is on the minus strand). VCF-style: chr18-28013879-T-A. GRCh37 (hg19) VCF-style: chr18-25593843-T-A.
Other names: c.110A>T, p.Lys37Ile (NM_001308176.2); short protein forms K68I, K37I.
Identifiers: ClinVar variation 1942704 (VCV001942704.5), dbSNP rs2013168180, ClinGen allele CA402244749.

ClinVar aggregate classification (germline): Uncertain significance (1 of 4 stars; one submission).

Allele frequency attached by ClinVar (database versions not stated): TOPMed below 0.00001.

Submission:

Labcorp Genetics (formerly Invitae), Labcorp
Classification: Uncertain significance. Last evaluated: 2022-03-22. Review status: criteria provided, single submitter. Criteria: Invitae Variant Classification Sherloc (09022015). Collection method: clinical testing. Allele origin: germline.
Comment: In summary, the available evidence is currently insufficient to determine the role of this variant in disease. Therefore, it has been classified as a Variant of Uncertain Significance. Algorithms developed to predict the effect of missense changes on protein structure and function are either unavailable or do not agree on the potential impact of this missense change (SIFT: "Deleterious"; PolyPhen-2: "Benign"; Align-GVGD: "Class C0"). This variant has not been reported in the literature in individuals affected with CDH2-related conditions. This variant is not present in population databases (gnomAD no frequency). This sequence change replaces lysine, which is basic and polar, with isoleucine, which is neutral and non-polar, at codon 68 of the CDH2 protein (p.Lys68Ile).